The following is an entry in ClinVar:

ClinVar aggregate classification (germline): Uncertain significance. Review status: criteria provided, multiple submitters, no conflicts (2 of 4 stars). 3 submissions from 3 submitters: Uncertain significance (3). Last evaluated 2024-11-26.

Conditions:
Inborn genetic diseases. Identifiers: MedGen C0950123, MeSH D030342.

Allele frequency attached by ClinVar (database versions not stated): gnomAD 0.00005; TOPMed 0.00006; gnomAD exomes 0.00008 and 0.00010; ExAC 0.00014; 1000 Genomes Project 0.00020; ESP Exome Variant Server 0.00023; 1000 Genomes Project 30x 0.00031.
gnomAD v4.1: 147 of 1,614,028 alleles (0.0091%); highest among the groups gnomAD compares: Middle Eastern, 0.049%; no homozygotes.

Submissions (3):

Ambry Genetics
Classification: Uncertain significance for Inborn genetic diseases. Last evaluated: 2024-11-26. Review status: criteria provided, single submitter. Criteria: Ambry Variant Classification Scheme 2023. Collection method: clinical testing. Allele origin: germline.

Labcorp Genetics (formerly Invitae), Labcorp
Classification: Uncertain significance. Last evaluated: 2021-12-02. Review status: criteria provided, single submitter. Criteria: Invitae Variant Classification Sherloc (09022015). Collection method: clinical testing. Allele origin: germline.
Comment: In summary, the available evidence is currently insufficient to determine the role of this variant in disease. Therefore, it has been classified as a Variant of Uncertain Significance. Algorithms developed to predict the effect of missense changes on protein structure and function are either unavailable or do not agree on the potential impact of this missense change (SIFT: "Not Available"; PolyPhen-2: "Probably Damaging"; Align-GVGD: "Not Available"). ClinVar contains an entry for this variant (Variation ID: 212415). This variant has not been reported in the literature in individuals affected with TRAPPC9-related conditions. This variant is present in population databases (rs145782440, gnomAD 0.01%). This sequence change replaces glutamic acid with lysine at codon 491 of the TRAPPC9 protein (p.Glu491Lys). The glutamic acid residue is moderately conserved and there is a small physicochemical difference between glutamic acid and lysine.

Genetic Services Laboratory, University of Chicago
Classification: Uncertain significance. Last evaluated: 2015-07-22. Review status: criteria provided, single submitter. Criteria: ACMG Guidelines, 2015. Collection method: clinical testing. Allele origin: germline.

NM_001160372.4(TRAPPC9):c.1177G>A (p.Glu393Lys)

Gene: TRAPPC9 (trafficking protein particle complex subunit 9; minus strand). Cytogenetic location: 8q24.3.
Variant type: single nucleotide variant.
Coding change: c.1177G>A on transcript NM_001160372.4 (MANE Select); coding-DNA position 1177, G replaced by A.
Protein change: p.Glu393Lys; replaces glutamic acid 393 with lysine.
Molecular consequence: missense variant. On other transcripts: non-coding transcript variant (1).
Genome position (GRCh38, 1-based): chr8:140,371,138, C>T on the plus strand (G>A on the coding strand, the complement: TRAPPC9 is on the minus strand). VCF-style: chr8-140371138-C-T. GRCh37 (hg19) VCF-style: chr8-141381237-C-T.
Other names: c.1150G>A, p.Glu384Lys (NM_001321646.2); c.1198G>A, p.Glu400Lys (NM_001374682.1); c.1177G>A, p.Glu393Lys (NM_001374683.1, NM_001374684.1, NM_031466.8); short protein forms E393K, E384K, E400K.
Identifiers: ClinVar variation 212415 (VCV000212415.15), dbSNP rs145782440, ClinGen allele CA208689.
Genomic context (GRCh38, chr8:140,371,138, plus strand): 5'-TGGCGGCCACGCGCTTGAAGAACGCAGACTTGCGATGGAAGCCGATCAGCTCATAGAGCT[C>T]GGAGAGGATGCTGTAGCGCTGAATTTTCTCTTCCTCAGAAAGCTGAAGCACAGAGAGAAA-3'
Protein context (NP_001153844.1, residues 383-403): EKIQRYSILS[Glu393Lys]LYELIGFHRK